The following is an entry in ClinVar:

NM_201384.3(PLEC):c.5593C>T (p.Arg1865Cys)

Gene: PLEC (plectin; minus strand). Cytogenetic location: 8q24.3.
Variant type: single nucleotide variant.
Coding change: c.5593C>T on transcript NM_201384.3 (MANE Select); coding-DNA position 5593, C replaced by T.
Protein change: p.Arg1865Cys; replaces arginine 1865 with cysteine.
Molecular consequence: missense variant.
Genome position (GRCh38, 1-based): chr8:143,924,336, G>A on the plus strand (C>T on the coding strand, the complement: PLEC is on the minus strand). VCF-style: chr8-143924336-G-A. GRCh37 (hg19) VCF-style: chr8-144998504-G-A.
Other names: c.5674C>T, p.Arg1892Cys (NM_000445.5); c.5551C>T, p.Arg1851Cys (NM_201378.4); c.5527C>T, p.Arg1843Cys (NM_201379.3); c.6004C>T, p.Arg2002Cys (NM_201380.4); c.5497C>T, p.Arg1833Cys (NM_201381.3); c.5593C>T, p.Arg1865Cys (NM_201382.4); c.5605C>T, p.Arg1869Cys (NM_201383.3); short protein forms R1869C, R2002C, R1833C, R1843C, R1851C, R1892C, R1865C.
Identifiers: ClinVar variation 283462 (VCV000283462.10), dbSNP rs372018272, ClinGen allele CA4926313.

ClinVar aggregate classification (germline): Uncertain significance. Review status: criteria provided, multiple submitters, no conflicts (2 of 4 stars). 2 submissions from 2 submitters: Uncertain significance (2). Last evaluated 2025-08-05.

Conditions:
Epidermolysis bullosa simplex with nail dystrophy (EBS5D). Identifiers: MedGen C4225309, MONDO:0014661, OMIM 616487.
Epidermolysis bullosa simplex 5C, with pyloric atresia (EBS5C). Also called: PLEC-Related Epidermolysis Bullosa with Pyloric Atresia; Epidermolysis bullosa simplex with pyloric atresia; PLEC1-Related Epidermolysis Bullosa with Pyloric Atresia. Identifiers: Orphanet 158684, MedGen C2677349, MONDO:0012807, OMIM 612138.
Autosomal recessive limb-girdle muscular dystrophy type 2Q (LGMDR17). Also called: MUSCULAR DYSTROPHY, LIMB-GIRDLE, AUTOSOMAL RECESSIVE 17. Identifiers: Orphanet 254361, MedGen C3150989, MONDO:0013390, OMIM 613723.
Epidermolysis bullosa simplex 5B, with muscular dystrophy (EBS5B). Also called: EPIDERMOLYSIS BULLOSA SIMPLEX AND LIMB-GIRDLE MUSCULAR DYSTROPHY; Epidermolysis bullosa simplex with muscular dystrophy. Identifiers: Orphanet 257, MedGen C2931072, MONDO:0009181, OMIM 226670.
Epidermolysis bullosa simplex, Ogna type (EBS5A). Also called: Pidermolysis bullosa simplex 5A, Ogna type; EPIDERMOLYSIS BULLOSA SIMPLEX 5A, OGNA TYPE. Identifiers: Orphanet 79401, MedGen C0432317, MONDO:0007555, OMIM 131950.

Allele frequency attached by ClinVar (database versions not stated): ExAC 0.00004; gnomAD 0.00005; ESP Exome Variant Server 0.00009; TOPMed 0.00002; gnomAD exomes 0.00003.
gnomAD v4.1: 56 of 1,596,504 alleles (0.0035%); highest among the groups gnomAD compares: African/African-American, 0.008%; no homozygotes.

Submissions (2):

Labcorp Genetics (formerly Invitae), Labcorp
Classification: Uncertain significance for Autosomal recessive limb-girdle muscular dystrophy type 2Q; Epidermolysis bullosa simplex, Ogna type; Epidermolysis bullosa simplex with nail dystrophy; Epidermolysis bullosa simplex 5C, with pyloric atresia; Epidermolysis bullosa simplex 5B, with muscular dystrophy. Last evaluated: 2025-08-05. Review status: criteria provided, single submitter. Criteria: Invitae Variant Classification Sherloc (09022015). Collection method: clinical testing. Allele origin: germline.
Comment: This sequence change replaces arginine, which is basic and polar, with cysteine, which is neutral and slightly polar, at codon 1892 of the PLEC protein (p.Arg1892Cys). This variant is present in population databases (rs372018272, gnomAD 0.02%). This variant has not been reported in the literature in individuals affected with PLEC-related conditions. ClinVar contains an entry for this variant (Variation ID: 283462). Experimental studies and prediction algorithms are not available or were not evaluated, and the functional significance of this variant is currently unknown. In summary, the available evidence is currently insufficient to determine the role of this variant in disease. Therefore, it has been classified as a Variant of Uncertain Significance.

Eurofins Ntd Llc (ga)
Classification: Uncertain significance. Last evaluated: 2015-09-29. Review status: criteria provided, single submitter. Criteria: EGL Classification Definitions 2015. Collection method: clinical testing. Allele origin: germline. Observed: 1 variant allele, 1 heterozygote.